The following is an entry in ClinVar:

NM_004006.3(DMD):c.10051_10067del (p.Lys3351fs)

Gene: DMD (dystrophin; minus strand). Cytogenetic location: Xp21.2.
Variant type: Deletion.
Coding change: c.10051_10067del on transcript NM_004006.3 (MANE Select); coding-DNA positions 10051 to 10067, 17 bases deleted (AAAATGCACTATCCCAT).
Protein change: p.Lys3351fs; shifts the reading frame from lysine 3351.
Molecular consequence: frameshift variant.
Genome position (GRCh38, 1-based): chrX:31,180,389-31,180,405, ATGGGATAGTGCATTTT deleted on the plus strand (AAAATGCACTATCCCAT on the coding strand, the reverse complement: DMD is on the minus strand); deleting any 17 consecutive bases within chrX:31,180,389-31,180,409 gives the same sequence; the c. name uses the placement nearest the transcript's 3' end. VCF-style (leftmost placement, unchanged base first): chrX-31180388-CATGGGATAGTGCATTTT-C. GRCh37 (hg19) VCF-style: chrX-31198505-CATGGGATAGTGCATTTT-C.
Other names: c.10027_10043del, p.Lys3343fs (NM_000109.4); c.10039_10055del, p.Lys3347fs (NM_004009.3); c.9682_9698del, p.Lys3228fs (NM_004010.3); c.6028_6044del, p.Lys2010fs (NM_004011.4); c.6019_6035del, p.Lys2007fs (NM_004012.4); c.2671_2687del, p.Lys891fs (NM_004013.3, NM_004020.4, NM_004021.3 and 2 more transcripts); c.1864_1880del, p.Lys622fs (NM_004014.3); c.847_863del, p.Lys283fs (NM_004015.3, NM_004016.3, NM_004017.3 and 2 more transcripts); short protein forms K3351fs, K622fs, K3347fs, K891fs, K283fs, K3343fs, K2007fs, K2010fs.
Identifiers: ClinVar variation 2858122 (VCV002858122.3), dbSNP rs2519972989, ClinGen allele CA2739268156.
Genomic context (GRCh38, chrX:31,180,388, plus strand): 5'-CCAGGTGAACTAACTCTCACGTCAGGCTGGCGTCAAACTTACCGGAGTGCAATATTCCAC[CATGGGATAGTGCATTTT>C]ATGGCCTTTTGCAACTCGACCAGAAAAAAAGCAGCTTTGGCAGATGTCATAATTAAAGTG-3'

ClinVar aggregate classification (germline): Pathogenic (1 of 4 stars; one submission).

Conditions:
Duchenne muscular dystrophy (DMD). Also called: MUSCULAR DYSTROPHY, PSEUDOHYPERTROPHIC PROGRESSIVE, DUCHENNE TYPE; Duchenne Muscular Dystrophy (DMD). Identifiers: Orphanet 98896, MedGen C0013264, MONDO:0010679, OMIM 310200.

Submission:

Labcorp Genetics (formerly Invitae), Labcorp
Classification: Pathogenic for Duchenne muscular dystrophy. Last evaluated: 2023-04-22. Review status: criteria provided, single submitter. Criteria: Invitae Variant Classification Sherloc (09022015). Collection method: clinical testing. Allele origin: germline.
Comment: This sequence change creates a premature translational stop signal (p.Lys3351Glyfs*76) in the DMD gene. It is expected to result in an absent or disrupted protein product. Loss-of-function variants in DMD are known to be pathogenic (PMID: 16770791, 25007885). This variant is not present in population databases (gnomAD no frequency). This variant has not been reported in the literature in individuals affected with DMD-related conditions. For these reasons, this variant has been classified as Pathogenic.

Literature cited by the submitters: PubMed 16770791; PubMed 25007885.